The following is an entry in ClinVar:

ClinVar aggregate classification (germline): Likely benign (1 of 4 stars; one submission).

Allele frequency attached by ClinVar (database versions not stated): TOPMed 0.00001; gnomAD 0.00002; gnomAD exomes 0.00002.
gnomAD v4.1: 40 of 1,551,560 alleles (0.0026%); highest among the groups gnomAD compares: Middle Eastern, 0.083%; no homozygotes.

Submission:

CeGaT Center for Human Genetics Tuebingen
Classification: Likely benign. Last evaluated: 2024-08-01. Review status: criteria provided, single submitter. Criteria: CeGaT Center For Human Genetics Tuebingen Variant Classification Criteria Version 2. Collection method: clinical testing. Allele origin: germline. Affected: yes. Observed: 2 variant alleles.
Comment: ALKBH8: BP4, BP7

NM_138775.3(ALKBH8):c.1590G>A (p.Glu530=)

Gene: ALKBH8 (alkB homolog 8, tRNA methyltransferase; minus strand). Cytogenetic location: 11q22.3.
Variant type: single nucleotide variant.
Coding change: c.1590G>A on transcript NM_138775.3 (MANE Select); coding-DNA position 1590, G replaced by A.
Protein change: p.Glu530=; no amino-acid change (glutamic acid 530 retained).
Molecular consequence: synonymous variant. On other transcripts: non-coding transcript variant (6).
Genome position (GRCh38, 1-based): chr11:107,505,063, C>T on the plus strand (G>A on the coding strand, the complement: ALKBH8 is on the minus strand). VCF-style: chr11-107505063-C-T. GRCh37 (hg19) VCF-style: chr11-107375789-C-T.
Other names: c.1590G>A, p.Glu530= (NM_001301010.3); c.1440G>A, p.Glu480= (NM_001378133.1).
Identifiers: ClinVar variation 2642350 (VCV002642350.24), dbSNP rs928794967, ClinGen allele CA228312543.